The following is an entry in ClinVar:

ClinVar aggregate classification (germline): Benign. Review status: criteria provided, multiple submitters, no conflicts (2 of 4 stars). 4 submissions from 2 submitters: Benign (4). Last evaluated 2018-06-16.

Conditions:
Distal spinal muscular atrophy. Also called: Distal hereditary motor neuronopathy; Distal hereditary motor neuropathy. Identifiers: Orphanet 53739, MedGen C0393541, MONDO:0018894.
Neuronopathy, distal hereditary motor, type 5A (HMND5). Also called: Distal Spinal Muscular Atrophy V; Distal Spinal Muscular Atrophy V (dSMA-V); NEURONOPATHY, DISTAL HEREDITARY MOTOR, AUTOSOMAL DOMINANT 5; DHMN VA. Identifiers: Orphanet 139536, MedGen CN031873, MONDO:0015353, OMIM 600794.
Charcot-Marie-Tooth disease type 2D (CMT2D). Also called: Charcot-Marie-Tooth Neuropathy Type 2D; CHARCOT-MARIE-TOOTH DISEASE, AXONAL, TYPE 2D; GARS1 Adolescent- or Early Adult-Onset Hereditary Motor/Sensory Neuropathy (GARS1-HMSN); CHARCOT-MARIE-TOOTH DISEASE, NEURONAL, TYPE 2D. Identifiers: Orphanet 99938, MedGen C1832274, MONDO:0011091, OMIM 601472.

Allele frequency attached by ClinVar (database versions not stated): gnomAD exomes 0.00338; 1000 Genomes Project 30x 0.03389; TOPMed 0.03077; gnomAD 0.02929; 1000 Genomes Project 0.02995.

Submissions (4):

GeneDx
Classification: Benign. Last evaluated: 2018-06-16. Review status: criteria provided, single submitter. Criteria: GeneDx Variant Classification (06012015). Collection method: clinical testing. Allele origin: germline. Affected: yes.
Comment: This variant is considered likely benign or benign based on one or more of the following criteria: it is a conservative change, it occurs at a poorly conserved position in the protein, it is predicted to be benign by multiple in silico algorithms, and/or has population frequency not consistent with disease.

Illumina Laboratory Services, Illumina
Classification: Benign for Distal hereditary motor neuronopathy type 5. Last evaluated: 2018-01-13. Review status: criteria provided, single submitter. Criteria: ICSL Variant Classification Criteria 13 December 2019. Collection method: clinical testing. Allele origin: germline.
Comment: This variant was observed in the ICSL laboratory as part of a predisposition screen in an ostensibly healthy population. It had not been previously curated by ICSL or reported in the Human Gene Mutation Database (HGMD: prior to June 1st, 2018), and was therefore a candidate for classification through an automated scoring system. Utilizing variant allele frequency, disease prevalence and penetrance estimates, and inheritance mode, an automated score was calculated to assess if this variant is too frequent to cause the disease. Based on the score and internal cut-off values, a variant classified as benign is not then subjected to further curation. The score for this variant resulted in a classification of benign for this disease.

Illumina Laboratory Services, Illumina
Classification: Benign for Distal Spinal Muscular Atrophy. Last evaluated: 2018-01-13. Review status: criteria provided, single submitter. Criteria: ICSL Variant Classification Criteria 13 December 2019. Collection method: clinical testing. Allele origin: germline.
Comment: the same text as in the submission from Illumina Laboratory Services, Illumina above.

Illumina Laboratory Services, Illumina
Classification: Benign for Charcot-Marie-Tooth disease type 2D. Last evaluated: 2018-01-13. Review status: criteria provided, single submitter. Criteria: ICSL Variant Classification Criteria 13 December 2019. Collection method: clinical testing. Allele origin: germline.
Comment: the same text as in the submission from Illumina Laboratory Services, Illumina above.

NM_002047.2(GARS1):c.-217A>G

Gene: GARS1 (glycyl-tRNA synthetase 1; plus strand). Cytogenetic location: 7p14.3.
Variant type: single nucleotide variant.
Coding change: c.-217A>G on transcript NM_002047.2; 217 bases upstream of the start codon, A replaced by G.
Genome position (GRCh38, 1-based): chr7:30,594,705, A>G. VCF-style: chr7-30594705-A-G. GRCh37 (hg19) VCF-style: chr7-30634321-A-G.
Identifiers: ClinVar variation 359993 (VCV000359993.8), dbSNP rs2970504, ClinGen allele CA10623830.